The following is an entry in ClinVar:

ClinVar aggregate classification (germline): Uncertain significance. Review status: criteria provided, multiple submitters, no conflicts (2 of 4 stars). 2 submissions from 2 submitters: Uncertain significance (2). Last evaluated 2023-10-26.

Conditions:
Inborn genetic diseases. Identifiers: MedGen C0950123, MeSH D030342.

Allele frequency attached by ClinVar (database versions not stated): gnomAD exomes below 0.00001; gnomAD 0.00001.
gnomAD v4.1: 6 of 1,612,494 alleles (0.00037%); highest among the groups gnomAD compares: Middle Eastern, 0.033%; no homozygotes.

Submissions (2):

Ambry Genetics
Classification: Uncertain significance for Inborn genetic diseases. Last evaluated: 2023-10-26. Review status: criteria provided, single submitter. Criteria: Ambry Variant Classification Scheme 2023. Collection method: clinical testing. Allele origin: germline.

Labcorp Genetics (formerly Invitae), Labcorp
Classification: Uncertain significance. Last evaluated: 2022-08-12. Review status: criteria provided, single submitter. Criteria: Invitae Variant Classification Sherloc (09022015). Collection method: clinical testing. Allele origin: germline.
Comment: Algorithms developed to predict the effect of missense changes on protein structure and function (SIFT, PolyPhen-2, Align-GVGD) all suggest that this variant is likely to be disruptive. In summary, the available evidence is currently insufficient to determine the role of this variant in disease. Therefore, it has been classified as a Variant of Uncertain Significance. This variant has not been reported in the literature in individuals affected with SEC63-related conditions. This variant is present in population databases (no rsID available, gnomAD 0.01%). This sequence change replaces lysine, which is basic and polar, with methionine, which is neutral and non-polar, at codon 328 of the SEC63 protein (p.Lys328Met).

NM_007214.5(SEC63):c.983A>T (p.Lys328Met)

Gene: SEC63 (SEC63 protein translocation regulator; minus strand). Cytogenetic location: 6q21.
Variant type: single nucleotide variant.
Coding change: c.983A>T on transcript NM_007214.5 (MANE Select); coding-DNA position 983, A replaced by T.
Protein change: p.Lys328Met; replaces lysine 328 with methionine.
Molecular consequence: missense variant.
Genome position (GRCh38, 1-based): chr6:107,904,700, T>A on the plus strand (A>T on the coding strand, the complement: SEC63 is on the minus strand). VCF-style: chr6-107904700-T-A. GRCh37 (hg19) VCF-style: chr6-108225904-T-A.
Other names: c.983A>T (NM_007214.4); short protein forms K328M.
Identifiers: ClinVar variation 1909722 (VCV001909722.6), dbSNP rs1452022998, ClinGen allele CA365183378.